The following is an entry in ClinVar:

NM_000038.6(APC):c.1630A>C (p.Ile544Leu)

Gene: APC (APC regulator of Wnt signaling pathway; plus strand). Cytogenetic location: 5q22.2.
Variant type: single nucleotide variant.
Coding change: c.1630A>C on transcript NM_000038.6 (MANE Select); coding-DNA position 1630, A replaced by C.
Protein change: p.Ile544Leu; replaces isoleucine 544 with leucine.
Molecular consequence: missense variant.
Genome position (GRCh38, 1-based): chr5:112,828,859, A>C. VCF-style: chr5-112828859-A-C. GRCh37 (hg19) VCF-style: chr5-112164556-A-C.
Other names: c.1630A>C, p.Ile544Leu (NM_001127510.3, NM_001354895.2); c.1576A>C, p.Ile526Leu (NM_001127511.3); c.1684A>C, p.Ile562Leu (NM_001354896.2); c.1660A>C, p.Ile554Leu (NM_001354897.2); c.1555A>C, p.Ile519Leu (NM_001354898.2); c.1546A>C, p.Ile516Leu (NM_001354899.2); c.1507A>C, p.Ile503Leu (NM_001354900.2); c.1453A>C, p.Ile485Leu (NM_001354901.2); and 5 more; short protein forms I418L, I443L, I453L, I485L, I503L, I516L, I519L, I526L.
Identifiers: ClinVar variation 665718 (VCV000665718.10), dbSNP rs1580573908, ClinGen allele CA16024868.
Genomic context (GRCh38, chr5:112,828,859, plus strand): 5'-AAAAAGCAACTAGTATGATTTTATGTATAAATTAATCTAAAATTGATTAATTTGCAGGTT[A>C]TTGCGAGTGTTTTGAGGAATTTGTCTTGGCGAGCAGATGTAAATAGTAAAAAGACGTTGC-3'
Protein context (NP_000029.2, residues 534-554): KSESEDLQQV[Ile544Leu]ASVLRNLSWR

ClinVar aggregate classification (germline): Uncertain significance (1 of 4 stars; one submission).

Conditions:
Familial adenomatous polyposis 1 (FAP1). Also called: POLYPOSIS, ADENOMATOUS INTESTINAL; FAMILIAL ADENOMATOUS POLYPOSIS 1, ATTENUATED. Identifiers: MedGen C2713442, MONDO:0021056, OMIM 175100. Disease mechanism: loss of function.

Submission:

Labcorp Genetics (formerly Invitae), Labcorp
Classification: Uncertain significance for Familial adenomatous polyposis 1. Last evaluated: 2018-12-26. Review status: criteria provided, single submitter. Criteria: Invitae Variant Classification Sherloc (09022015). Collection method: clinical testing. Allele origin: germline.
Comment: This variant has not been reported in the literature in individuals with APC-related conditions. In summary, the available evidence is currently insufficient to determine the role of this variant in disease. Therefore, it has been classified as a Variant of Uncertain Significance. Algorithms developed to predict the effect of missense changes on protein structure and function (SIFT, PolyPhen-2, Align-GVGD) all suggest that this variant is likely to be tolerated, but these predictions have not been confirmed by published functional studies and their clinical significance is uncertain. This variant is not present in population databases (ExAC no frequency). This sequence change replaces isoleucine with leucine at codon 544 of the APC protein (p.Ile544Leu). The isoleucine residue is highly conserved and there is a small physicochemical difference between isoleucine and leucine.